The following is an entry in ClinVar:

ClinVar aggregate classification (germline): Likely pathogenic (1 of 4 stars; one submission).

Conditions:
Autosomal recessive congenital ichthyosis 1 (LI1). Also called: DESQUAMATION OF NEWBORN; ICHTHYOSIS CONGENITA; ICHTHYOSIS CONGENITA II; LAMELLAR EXFOLIATION OF NEWBORN; ICHTHYOSIS, CONGENITAL, AUTOSOMAL RECESSIVE 1, WITH BATHING SUIT DISTRIBUTION; ICHTHYOSIS, CONGENITAL, AUTOSOMAL RECESSIVE 1, WITH OR WITHOUT BATHING SUIT DISTRIBUTION. Identifiers: MedGen C4551630, MONDO:0009441, OMIM 242300.

Submission:

Myriad Genetics, Inc.
Classification: Likely pathogenic for Autosomal recessive congenital ichthyosis 1. Last evaluated: 2022-02-25. Review status: criteria provided, single submitter. Criteria: Myriad Women's Health Autosomal Recessive and X-Linked Classification Criteria (2021). Collection method: clinical testing. Allele origin: unknown.
Comment: NM_000359.2(TGM1):c.1714_1715ins17(N572Ifs*24) is expected to be pathogenic in the context of TGM1-related autosomal recessive congenital ichthyosis. This variant is predicted to lead to an abnormal or absent protein product due to the creation of a premature termination codon in TGM1, a gene where loss-of-function variants are known to be pathogenic. Please note: this variant was assessed in the context of healthy population screening.

NM_000359.3(TGM1):c.1714_1715insTCAGATCCTGCCCCATC (p.Asn572fs)

Gene: TGM1 (transglutaminase 1; minus strand). Cytogenetic location: 14q12.
Variant type: Insertion.
Coding change: c.1714_1715insTCAGATCCTGCCCCATC on transcript NM_000359.3 (MANE Select); coding-DNA positions 1714 to 1715, TCAGATCCTGCCCCATC inserted.
Protein change: p.Asn572fs; shifts the reading frame from asparagine 572.
Molecular consequence: frameshift variant.
Genome position: GRCh38 VCF-style: chr14-24255184-T-TGATGGGGCAGGATCTGA. GRCh37 (hg19) VCF-style: chr14-24724390-T-TGATGGGGCAGGATCTGA.
Other names: short protein forms N572fs.
Identifiers: ClinVar variation 1724712 (VCV001724712.2), dbSNP rs2502494261, ClinGen allele CA2580087948.